The following is an entry in ClinVar:

ClinVar aggregate classification (germline): Pathogenic/Likely pathogenic. Review status: criteria provided, multiple submitters, no conflicts (2 of 4 stars). 3 submissions from 3 submitters: Pathogenic (2); Likely pathogenic (1). Last evaluated 2024-10-18.

Conditions:
Corneal dystrophy-perceptive deafness syndrome (CDPD). Also called: CORNEAL DYSTROPHY AND SENSORINEURAL DEAFNESS; HARBOYAN SYNDROME. Identifiers: Orphanet 1490, MedGen C1857572, MONDO:0009015, OMIM 217400.

Allele frequency attached by ClinVar (database versions not stated): gnomAD 0.00001; gnomAD exomes 0.00001; ExAC 0.00002.
gnomAD v4.1: 9 of 1,613,220 alleles (0.00056%); highest among the groups gnomAD compares: South Asian, 0.0099%; no homozygotes.

Submissions (3):

Natera, Inc.
Classification: Likely pathogenic for Corneal dystrophy-perceptive deafness syndrome. Last evaluated: 2024-10-18. Review status: criteria provided, single submitter. Criteria: Natera Variant Classification Schema (03/2026). Collection method: clinical testing. Allele origin: germline.
Comment: The c.2470G>A variant in SLC4A11 is a missense variant predicted to cause substitution of valine to methionine at amino acid 824. This variant is rare in the general population with a frequency below the threshold expected for the associated phenotype(s). This variant has been observed in one or more individuals affected with the associated recessive disease, as either homozygous or compound heterozygous with a second variant (PMID: 21203343). Additionally, this variant has been observed to segregate in affected family members (PMID: 21203343). Computational prediction algorithms indicate this variant is likely to affect gene or protein function. Given the available evidence, this variant is classified as Likely Pathogenic.

Women's Health and Genetics/Laboratory Corporation of America, LabCorp
Classification: Pathogenic for Corneal dystrophy-perceptive deafness syndrome. Last evaluated: 2024-06-19. Review status: criteria provided, single submitter. Criteria: LabCorp Variant Classification Summary - May 2015. Collection method: clinical testing. Allele origin: germline.
Comment: Variant summary: SLC4A11 c.2470G>A (p.Val824Met) results in a conservative amino acid change located in the Bicarbonate transporter-like, transmembrane domain (IPR011531) of the encoded protein sequence. Four of five in-silico tools predict a damaging effect of the variant on protein function. The variant allele was found at a frequency of 1.2e-05 in 250996 control chromosomes. c.2470G>A has been reported in the literature in multiple homozygous individuals affected with Corneal Dystrophy And Perceptive Deafness (Desir_2007, Paliwal_2010, Chaurasia_2020, Iqbal_2022). These data indicate that the variant is very likely to be associated with disease. To our knowledge, no experimental evidence demonstrating an impact on protein function has been reported. The following publications have been ascertained in the context of this evaluation (PMID: 31714402, 17220209, 36037197, 21203343). ClinVar contains an entry for this variant (Variation ID: 1499852). Based on the evidence outlined above, the variant was classified as pathogenic.

Labcorp Genetics (formerly Invitae), Labcorp
Classification: Pathogenic. Last evaluated: 2024-04-08. Review status: criteria provided, single submitter. Criteria: Invitae Variant Classification Sherloc (09022015). Collection method: clinical testing. Allele origin: germline.
Comment: This sequence change replaces valine, which is neutral and non-polar, with methionine, which is neutral and non-polar, at codon 824 of the SLC4A11 protein (p.Val824Met). This variant is present in population databases (rs757244518, gnomAD 0.006%). This missense change has been observed in individuals with autosomal recessive congenital hereditary endothelial dystrophy (PMID: 17220209, 17679935, 21203343, 31714402, 34637099, 36037197). It has also been observed to segregate with disease in related individuals. ClinVar contains an entry for this variant (Variation ID: 1499852). Advanced modeling of protein sequence and biophysical properties (such as structural, functional, and spatial information, amino acid conservation, physicochemical variation, residue mobility, and thermodynamic stability) has been performed at Invitae for this missense variant, however the output from this modeling did not meet the statistical confidence thresholds required to predict the impact of this variant on SLC4A11 protein function. Experimental studies have shown that this missense change does not substantially affect SLC4A11 function (PMID: 29327391). For these reasons, this variant has been classified as Pathogenic.

Literature cited by the submitters: PubMed 21203343 (cited by 3 submitters); PubMed 31714402 (cited by Women's Health and Genetics/Laboratory Corporation of America, LabCorp and Labcorp Genetics (formerly Invitae), Labcorp); PubMed 17220209 (cited by Women's Health and Genetics/Laboratory Corporation of America, LabCorp and Labcorp Genetics (formerly Invitae), Labcorp); PubMed 36037197 (cited by Women's Health and Genetics/Laboratory Corporation of America, LabCorp and Labcorp Genetics (formerly Invitae), Labcorp); PubMed 17679935 (cited by Labcorp Genetics (formerly Invitae), Labcorp); PubMed 34637099 (cited by Labcorp Genetics (formerly Invitae), Labcorp); PubMed 29327391 (cited by Labcorp Genetics (formerly Invitae), Labcorp).

NM_001174089.2(SLC4A11):c.2422G>A (p.Val808Met)

Gene: SLC4A11 (solute carrier family 4 member 11; minus strand). Cytogenetic location: 20p13.
Variant type: single nucleotide variant.
Coding change: c.2422G>A on transcript NM_001174089.2 (MANE Select); coding-DNA position 2422, G replaced by A.
Protein change: p.Val808Met; replaces valine 808 with methionine.
Molecular consequence: missense variant. On other transcripts: non-coding transcript variant (1).
Genome position (GRCh38, 1-based): chr20:3,228,395, C>T on the plus strand (G>A on the coding strand, the complement: SLC4A11 is on the minus strand). VCF-style: chr20-3228395-C-T. GRCh37 (hg19) VCF-style: chr20-3209041-C-T.
Other names: c.2470G>A (NM_032034.3); c.2551G>A, p.Val851Met (NM_001174090.2); c.2308G>A, p.Val770Met (NM_001363745.2); c.2470G>A, p.Val824Met (NM_032034.4); short protein forms V770M, V851M, V808M, V824M.
Identifiers: ClinVar variation 1499852 (VCV001499852.10), dbSNP rs757244518, ClinGen allele CA9741459.